The following is an entry in ClinVar:

ClinVar aggregate classification (germline): Uncertain significance (1 of 4 stars; one submission).

gnomAD v4.1: 2 of 1,605,344 alleles (0.00012%); highest among the groups gnomAD compares: Non-Finnish European, 0.00017%; no homozygotes.

Submission:

Labcorp Genetics (formerly Invitae), Labcorp
Classification: Uncertain significance. Last evaluated: 2024-10-17. Review status: criteria provided, single submitter. Criteria: Invitae Variant Classification Sherloc (09022015). Collection method: clinical testing. Allele origin: germline.
Comment: This sequence change replaces glycine, which is neutral and non-polar, with serine, which is neutral and polar, at codon 469 of the CAST protein (p.Gly469Ser). This variant is not present in population databases (gnomAD no frequency). This variant has not been reported in the literature in individuals affected with CAST-related conditions. An algorithm developed to predict the effect of missense changes on protein structure and function outputs the following: PolyPhen-2: "Benign". The serine amino acid residue is found in multiple mammalian species, which suggests that this missense change does not adversely affect protein function. In summary, the available evidence is currently insufficient to determine the role of this variant in disease. Therefore, it has been classified as a Variant of Uncertain Significance.

NM_001750.7(CAST):c.1528G>A (p.Gly510Ser)

Gene: CAST (calpastatin; plus strand). Cytogenetic location: 5q15.
Variant type: single nucleotide variant.
Coding change: c.1528G>A on transcript NM_001750.7 (MANE Select); coding-DNA position 1528, G replaced by A.
Protein change: p.Gly510Ser; replaces glycine 510 with serine.
Molecular consequence: missense variant. On other transcripts: non-coding transcript variant (1).
Genome position (GRCh38, 1-based): chr5:96,754,063, G>A. VCF-style: chr5-96754063-G-A. GRCh37 (hg19) VCF-style: chr5-96089767-G-A.
Other names: c.1405G>A, p.Gly469Ser (NM_001042440.5, NM_001330627.2); c.1471G>A, p.Gly491Ser (NM_001042441.3); c.1462G>A, p.Gly488Ser (NM_001042442.3, NM_001329966.1); c.1279G>A, p.Gly427Ser (NM_001042443.3, NM_001423250.1); c.1156G>A, p.Gly386Ser (NM_001042444.3, NM_001284212.4); c.1174G>A, p.Gly392Ser (NM_001042445.3, NM_001423255.1, NM_001423256.1 and 3 more transcripts); c.1117G>A, p.Gly373Ser (NM_001042446.3, NM_001330630.2, NM_001423260.1); c.1240G>A, p.Gly414Ser (NM_001190442.2, NM_001330631.2, NM_001423251.1 and 1 more transcripts); and 8 more; short protein forms G373S, G414S, G454S, G478S, G392S, G408S, G469S, G355S.
Identifiers: ClinVar variation 2719029 (VCV002719029.3), dbSNP rs1464701479, ClinGen allele CA360483336.